The following is an entry in ClinVar:

NM_000051.4(ATM):c.6880G>A (p.Glu2294Lys)

Genes: C11orf65 (chromosome 11 open reading frame 65; minus strand), ATM (ATM serine/threonine kinase; plus strand). Cytogenetic location: 11q22.3.
Variant type: single nucleotide variant.
Coding change: c.6880G>A on transcript NM_000051.4 (MANE Select); coding-DNA position 6880, G replaced by A.
Protein change: p.Glu2294Lys; replaces glutamic acid 2294 with lysine.
Molecular consequence: missense variant. On other transcripts: intron variant (2).
Genome position (GRCh38, 1-based): chr11:108,326,130, G>A. VCF-style: chr11-108326130-G-A. GRCh37 (hg19) VCF-style: chr11-108196857-G-A.
Other names: NM_000051.4:c.6880G>A; c.6880G>A, p.Glu2294Lys (NM_001351834.2); c.641-17059C>T (NM_001330368.2); c.*38+9090C>T (NM_001351110.2); short protein forms E2294K.
Identifiers: ClinVar variation 2921288 (VCV002921288.2), dbSNP rs2136334959, ClinGen allele CA382556814.

ClinVar aggregate classification (germline): Uncertain significance (3 of 4 stars; one submission).

Conditions:
ATM-related cancer predisposition. Also called: ATM-related cancer susceptibility. Identifiers: MedGen CN377759, MONDO:0700270.

Submission:

ClinGen Hereditary Breast, Ovarian and Pancreatic Cancer Variant Curation Expert Panel, ClinGen
Classification: Uncertain significance for ATM-related cancer predisposition. Last evaluated: 2024-01-25. Review status: reviewed by expert panel. Criteria: ClinGen HBOP ACMG Specifications ATM V1.2.0. Collection method: curation. Allele origin: germline. Inheritance: Autosomal dominant inheritance.
Comment: The c.6880G>A (p.Glu2294Lys) variant in ATM is a missense variant predicted to cause substitution of glutamic acid by lysine at amino acid 2294 (p.Glu2294Lys). This variant is absent from gnomAD v2.1.1. A computational in silico predictor for this alteration (REVEL: 0.723) is indeterminate. This variant was observed in an individual with Ataxia-Telangiectasia (PMID:26896183). In summary, this variant meets criteria to be classified as variant of uncertain significance for autosomal dominant hereditary breast cancer and autosomal recessive Ataxia-Telangiectasia based on the ACMG/AMP criteria applied, as specified by the HBOP VCEP. (PM2_Supporting, PM3_Supporting)